The following is an entry in ClinVar:

NM_000135.4(FANCA):c.2770G>C (p.Asp924His)

Gene: FANCA (FA complementation group A; minus strand). Cytogenetic location: 16q24.3.
Variant type: single nucleotide variant.
Coding change: c.2770G>C on transcript NM_000135.4 (MANE Select); coding-DNA position 2770, G replaced by C.
Protein change: p.Asp924His; replaces aspartic acid 924 with histidine.
Molecular consequence: missense variant.
Genome position (GRCh38, 1-based): chr16:89,764,898, C>G on the plus strand (G>C on the coding strand, the complement: FANCA is on the minus strand). VCF-style: chr16-89764898-C-G. GRCh37 (hg19) VCF-style: chr16-89831306-C-G.
Other names: c.2770G>C, p.Asp924His (NM_001286167.3); short protein forms D924H.
Identifiers: ClinVar variation 4870905 (VCV004870905.1).

ClinVar aggregate classification (germline): Uncertain significance (1 of 4 stars; one submission).

Conditions:
Inborn genetic diseases. Identifiers: MedGen C0950123, MeSH D030342.

gnomAD v4.1: 3 of 1,613,918 alleles (0.00019%); highest among the groups gnomAD compares: Non-Finnish European, 0.00025%; no homozygotes.

Submission:

Ambry Genetics
Classification: Uncertain significance for Inborn genetic diseases. Last evaluated: 2026-06-05. Review status: criteria provided, single submitter. Criteria: Ambry Variant Classification Scheme 2023. Collection method: clinical testing. Allele origin: germline.
Comment: The p.D924H variant (also known as c.2770G>C), located in coding exon 28 of the FANCA gene, results from a G to C substitution at nucleotide position 2770. The aspartic acid at codon 924 is replaced by histidine, an amino acid with similar properties. This amino acid position is conserved. In addition, this alteration is predicted to be tolerated by in silico analysis. Based on the available evidence, the clinical significance of this variant remains unclear.